The following is an entry in ClinVar:

ClinVar aggregate classification (germline): Pathogenic. Review status: criteria provided, single submitter (1 of 4 stars). 2 submissions from 2 submitters: Pathogenic (1). 1 of the submissions does not count toward it. Last evaluated 2023-12-05.

Conditions:
Oculocutaneous albinism type 4 (OCA4). Also called: Albinism, oculocutaneous, type IV. Identifiers: Orphanet 79435, MedGen C1847836, MONDO:0011683, OMIM 606574.

Allele frequency attached by ClinVar (database versions not stated): gnomAD 0.00001; TOPMed below 0.00001.
gnomAD v4.1: 10 of 1,613,560 alleles (0.00062%); highest among the groups gnomAD compares: East Asian, 0.022%; no homozygotes.

Submissions (2):

Labcorp Genetics (formerly Invitae), Labcorp
Classification: Pathogenic. Last evaluated: 2023-12-05. Review status: criteria provided, single submitter. Criteria: Invitae Variant Classification Sherloc (09022015). Collection method: clinical testing. Allele origin: germline.
Comment: This sequence change replaces glycine, which is neutral and non-polar, with valine, which is neutral and non-polar, at codon 188 of the SLC45A2 protein (p.Gly188Val). This variant is not present in population databases (gnomAD no frequency). This missense change has been observed in individual(s) with ocular albinism (PMID: 14961451). In at least one individual the data is consistent with being in trans (on the opposite chromosome) from a pathogenic variant. This variant is also known as MATP p.G188V. ClinVar contains an entry for this variant (Variation ID: 1334440). An algorithm developed to predict the effect of missense changes on protein structure and function (PolyPhen-2) suggests that this variant is likely to be disruptive. Experimental studies have shown that this missense change affects SLC45A2 function (PMID: 19220778). Algorithms developed to predict the effect of sequence changes on RNA splicing suggest that this variant may disrupt the consensus splice site. For these reasons, this variant has been classified as Pathogenic.

GeneReviews
No classification provided. Condition: Oculocutaneous albinism type 4. Review status: no classification provided. Collection method: literature only. Allele origin: germline. Not counted in ClinVar's aggregate classification.

Literature cited by the submitters: PubMed 14961451 (cited by Labcorp Genetics (formerly Invitae), Labcorp); PubMed 19220778 (cited by Labcorp Genetics (formerly Invitae), Labcorp); NCBI Bookshelf NBK1510 (cited by GeneReviews).

NM_016180.5(SLC45A2):c.563G>T (p.Gly188Val)

Gene: SLC45A2 (solute carrier family 45 member 2; minus strand). Cytogenetic location: 5p13.2.
Variant type: single nucleotide variant.
Coding change: c.563G>T on transcript NM_016180.5 (MANE Select); coding-DNA position 563, G replaced by T.
Protein change: p.Gly188Val; replaces glycine 188 with valine.
Molecular consequence: missense variant. On other transcripts: intron variant (1).
Genome position (GRCh38, 1-based): chr5:33,964,016, C>A on the plus strand (G>T on the coding strand, the complement: SLC45A2 is on the minus strand). VCF-style: chr5-33964016-C-A. GRCh37 (hg19) VCF-style: chr5-33964121-C-A.
Other names: c.563G>T, p.Gly188Val (NM_001012509.4); c.563-9512G>T (NM_001297417.4); short protein forms G188V.
Identifiers: ClinVar variation 1334440 (VCV001334440.5), dbSNP rs1177355814, ClinGen allele CA359394410.